The following is an entry in ClinVar:

ClinVar aggregate classification (germline): Pathogenic (1 of 4 stars; one submission).

Conditions:
Ehlers-Danlos syndrome, classic type, 1 (EDSCL1). Also called: EHLERS-DANLOS SYNDROME, GRAVIS TYPE; EHLERS-DANLOS SYNDROME, SEVERE CLASSIC TYPE; Ehlers-Danlos syndrome, type 1; Ehlers-Danlos Syndrome, Classic Type, COL5A1-Related; EDS I. Identifiers: MedGen C0268335, MONDO:0019567, OMIM 130000.

Submission:

Women's Health and Genetics/Laboratory Corporation of America, LabCorp
Classification: Pathogenic for Ehlers-Danlos syndrome, classic type, 1. Last evaluated: 2025-02-11. Review status: criteria provided, single submitter. Criteria: LabCorp Variant Classification Summary - May 2015. Collection method: clinical testing. Allele origin: germline.
Comment: Variant summary: COL5A1 c.106_108delinsT (p.Ala36CysfsX17) results in a premature termination codon, predicted to cause a truncation of the encoded protein or absence of the protein due to nonsense mediated decay, which are commonly known mechanisms for disease. The variant was absent in 29460 control chromosomes. To our knowledge, no occurrence of c.106_108delinsT in individuals affected with Ehlers-Danlos syndrome, classic type, 1 and no experimental evidence demonstrating its impact on protein function have been reported. No submitters have cited clinical-significance assessments for this variant to ClinVar. Based on the evidence outlined above, the variant was classified as pathogenic.

NM_000093.5(COL5A1):c.106_108delinsT (p.Ala36fs)

Gene: COL5A1 (collagen type V alpha 1 chain; plus strand). Cytogenetic location: 9q34.3.
Variant type: Indel.
Coding change: c.106_108delinsT on transcript NM_000093.5 (MANE Select); coding-DNA positions 106 to 108, GCA replaced by T.
Protein change: p.Ala36fs; shifts the reading frame from alanine 36.
Molecular consequence: frameshift variant.
Genome position (GRCh38, 1-based): chr9:134,642,293-134,642,295, GCA replaced by T. VCF-style: chr9-134642293-GCA-T. GRCh37 (hg19) VCF-style: chr9-137534139-GCA-T.
Other names: c.106_108delinsT, p.Ala36fs (NM_001278074.1); short protein forms A36fs.
Identifiers: ClinVar variation 3768608 (VCV003768608.1).
Genomic context (GRCh38, chr9:134,642,293, plus strand): 5'-GGCGCCCCGCTGCTGCCCCCGCTGCTGCTGCTGCTGCTGTGGGCGCCGCCTCCGAGCCGC[GCA>T]GGTAAGGGCGCCCCGGGGCGCGGGGCTGCGGGATGGGGCGCGCGCAGCCCGGGCGCCGCT-3'